The following is an entry in ClinVar:

ClinVar aggregate classification (germline): Benign (1 of 4 stars; one submission).

Allele frequency attached by ClinVar (database versions not stated): gnomAD exomes 0.00024; ExAC 0.00028; 1000 Genomes Project 0.00080; gnomAD 0.00098 and 0.00106; TOPMed 0.00106; 1000 Genomes Project 30x 0.00109; ESP Exome Variant Server 0.00115.

Submission:

GeneDx
Classification: Benign. Last evaluated: 2014-12-19. Review status: criteria provided, single submitter. Criteria: GeneDx Variant Classification (06012015). Collection method: clinical testing. Allele origin: germline. Affected: yes.
Comment: This variant is considered likely benign or benign based on one or more of the following criteria: it is a conservative change, it occurs at a poorly conserved position in the protein, it is predicted to be benign by multiple in silico algorithms, and/or has population frequency not consistent with disease.

NM_002437.5(MPV17):c.-5-18C>G

Genes: MPV17 (mitochondrial inner membrane protein MPV17; minus strand), LOC129933372 (ATAC-STARR-seq lymphoblastoid active region 15495; plus strand). Cytogenetic location: 2p23.3.
Variant type: single nucleotide variant.
Coding change: c.-5-18C>G on transcript NM_002437.5 (MANE Select); 18 bases into the intron before 5 bases upstream of the start codon, C replaced by G.
Molecular consequence: intron variant.
Genome position (GRCh38, 1-based): chr2:27,322,540, G>C on the plus strand (C>G on the coding strand, the complement: MPV17 is on the minus strand). VCF-style: chr2-27322540-G-C. GRCh37 (hg19) VCF-style: chr2-27545407-G-C.
Identifiers: ClinVar variation 214659 (VCV000214659.1), dbSNP rs77013523, ClinGen allele CA322263.
Genomic context (GRCh38, chr2:27,322,540, plus strand): 5'-GCGGCCAGGGCCCGCTGGTATGCCCGCCAGAGTGCCATGCTTCCTGTCAAGCCAAGAGGA[G>C]AGGGGGTCACCCCCACCGTCCCTCTCCACGACTAAGAAGCCGCCTGACATTCCCTTGTGC-3'